The following is an entry in ClinVar:

ClinVar aggregate classification (germline): Likely benign (1 of 4 stars; one submission).

Submission:

CeGaT Center for Human Genetics Tuebingen
Classification: Likely benign. Last evaluated: 2022-06-01. Review status: criteria provided, single submitter. Criteria: CeGaT Center For Human Genetics Tuebingen Variant Classification Criteria Version 2. Collection method: clinical testing. Allele origin: germline. Affected: yes. Observed: 1 variant allele.
Comment: CCDC22: PM2:Supporting, BP4, BP7

NM_014008.5(CCDC22):c.124C>T (p.Leu42=)

Gene: CCDC22 (CCC complex scaffolding subunit CCDC22; plus strand). Cytogenetic location: Xp11.23.
Variant type: single nucleotide variant.
Coding change: c.124C>T on transcript NM_014008.5 (MANE Select); coding-DNA position 124, C replaced by T.
Protein change: p.Leu42=; no amino-acid change (leucine 42 retained).
Molecular consequence: synonymous variant.
Genome position (GRCh38, 1-based): chrX:49,237,159, C>T. VCF-style: chrX-49237159-C-T. GRCh37 (hg19) VCF-style: chrX-49093626-C-T.
Identifiers: ClinVar variation 2660522 (VCV002660522.24), dbSNP rs2519160286, ClinGen allele CA516389758.